The following is an entry in ClinVar:

ClinVar aggregate classification (germline): Conflicting classifications of pathogenicity. Review status: criteria provided, conflicting classifications (1 of 4 stars). 4 submissions from 4 submitters: Uncertain significance (2); Benign (1). 1 of the submissions does not count toward it. Last evaluated 2026-01-03.

Conditions:
Mucolipidosis type II. Also called: Mucolipidosis 2; ML 2; Inclusion cell disease; Leroy Disease; N-acetylglucosamine 1phosphotransferase deficiency; ML disorder type 2. Identifiers: Orphanet 576, MedGen C2673377, MONDO:0009650, OMIM 252500.
Pseudo-Hurler polydystrophy. Also called: ML IIIA; Mucolipidosis III Alpha/Beta; MUCOLIPIDOSIS IIIA; ML III; ML III ALPHA/BETA; Type III Mucolipidosis. Identifiers: Orphanet 423461, Orphanet 577, MedGen C0033788, MONDO:0018931, OMIM 252600.

Allele frequency attached by ClinVar (database versions not stated): gnomAD 0.00001; gnomAD exomes 0.00006 and 0.00031; TOPMed 0.00012; ExAC 0.00020.

Submissions (4):

Labcorp Genetics (formerly Invitae), Labcorp
Classification: Benign for Pseudo-Hurler polydystrophy; Mucolipidosis type II. Last evaluated: 2026-01-03. Review status: criteria provided, single submitter. Criteria: Invitae Variant Classification Sherloc (09022015). Collection method: clinical testing. Allele origin: germline.

Mayo Clinic Laboratories, Mayo Clinic
Classification: Uncertain significance. Last evaluated: 2022-08-24. Review status: criteria provided, single submitter. Criteria: ACMG Guidelines, 2015. Collection method: clinical testing. Allele origin: germline. Observed: 2 variant alleles.
Comment: BP4

Baylor Genetics
Classification: Uncertain significance for Mucolipidosis type II. Last evaluated: 2018-10-05. Review status: criteria provided, single submitter. Criteria: ACMG Guidelines, 2015. Collection method: clinical testing. Allele origin: maternal. Affected: yes.
Comment: This variant was determined to be of uncertain significance according to ACMG Guidelines, 2015 [PMID:25741868].

Natera, Inc.
Classification: Uncertain significance for Mucolipidosis type II. Last evaluated: 2020-04-17. Review status: no assertion criteria provided. Collection method: clinical testing. Allele origin: germline. Not counted in ClinVar's aggregate classification.

NM_024312.5(GNPTAB):c.2347G>A (p.Glu783Lys)

Gene: GNPTAB (N-acetylglucosamine-1-phosphate transferase subunits alpha and beta; minus strand). Cytogenetic location: 12q23.2.
Variant type: single nucleotide variant.
Coding change: c.2347G>A on transcript NM_024312.5 (MANE Select); coding-DNA position 2347, G replaced by A.
Protein change: p.Glu783Lys; replaces glutamic acid 783 with lysine.
Molecular consequence: missense variant.
Genome position (GRCh38, 1-based): chr12:101,764,570, C>T on the plus strand (G>A on the coding strand, the complement: GNPTAB is on the minus strand). VCF-style: chr12-101764570-C-T. GRCh37 (hg19) VCF-style: chr12-102158348-C-T.
Other names: p.Glu783Lys; short protein forms E783K.
Identifiers: ClinVar variation 970999 (VCV000970999.8), dbSNP rs765924360, ClinGen allele CA6746444.